The following is an entry in ClinVar:

NM_001253852.3(AP4B1):c.912G>A (p.Leu304=)

Genes: AP4B1 (adaptor related protein complex 4 subunit beta 1; minus strand), AP4B1-AS1 (AP4B1 antisense RNA 1; plus strand). Cytogenetic location: 1p13.2.
Variant type: single nucleotide variant.
Coding change: c.912G>A on transcript NM_001253852.3 (MANE Select); coding-DNA position 912, G replaced by A.
Protein change: p.Leu304=; no amino-acid change (leucine 304 retained).
Molecular consequence: synonymous variant. On other transcripts: non-coding transcript variant (2).
Genome position (GRCh38, 1-based): chr1:113,900,106, C>T on the plus strand (G>A on the coding strand, the complement: AP4B1 is on the minus strand). VCF-style: chr1-113900106-C-T. GRCh37 (hg19) VCF-style: chr1-114442728-C-T.
Other names: c.615G>A, p.Leu205= (NM_001253853.3); c.408G>A, p.Leu136= (NM_001308312.2); c.912G>A, p.Leu304= (NM_006594.5).
Identifiers: ClinVar variation 472197 (VCV000472197.40), dbSNP rs146053295, ClinGen allele CA1015980.

ClinVar aggregate classification (germline): Benign/Likely benign. Review status: criteria provided, multiple submitters, no conflicts (2 of 4 stars). 6 submissions from 6 submitters: Benign (1); Likely benign (5). Last evaluated 2026-06-01.

Conditions:
Inborn genetic diseases. Identifiers: MedGen C0950123, MeSH D030342.
Hereditary spastic paraplegia 47. Also called: Spastic paraplegia 47, autosomal recessive; CEREBRAL PALSY, SPASTIC QUADRIPLEGIC, 5; adaptor protein 4 (AP-4) deficiency syndrome. Identifiers: Orphanet 280763, MedGen C3279738, MONDO:0013551, OMIM 614066.

Allele frequency attached by ClinVar (database versions not stated): ESP Exome Variant Server 0.00031; gnomAD 0.00037 and 0.00048; 1000 Genomes Project 30x 0.00047; TOPMed 0.00047; 1000 Genomes Project 0.00060; gnomAD exomes 0.00061 and 0.00099; ExAC 0.00100.
gnomAD v4.1: 986 of 1,614,188 alleles (0.061%); highest among the groups gnomAD compares: South Asian, 0.36%; 6 homozygotes.

Submissions (6):

CeGaT Center for Human Genetics Tuebingen
Classification: Likely benign. Last evaluated: 2026-06-01. Review status: criteria provided, single submitter. Criteria: CeGaT Center For Human Genetics Tuebingen Variant Classification Criteria Version 2. Collection method: clinical testing. Allele origin: germline. Affected: yes. Observed: 3 variant alleles.
Comment: AP4B1: BP4, BP7

Labcorp Genetics (formerly Invitae), Labcorp
Classification: Benign for Hereditary spastic paraplegia 47. Last evaluated: 2025-11-23. Review status: criteria provided, single submitter. Criteria: Invitae Variant Classification Sherloc (09022015). Collection method: clinical testing. Allele origin: germline.

Blueprint Genetics
Classification: Likely benign. Last evaluated: 2024-11-26. Review status: criteria provided, single submitter. Criteria: ACMG Guidelines, 2015. Collection method: clinical testing. Allele origin: germline.

Genome-Nilou Lab
Classification: Likely benign for Hereditary spastic paraplegia 47. Last evaluated: 2023-04-11. Review status: criteria provided, single submitter. Criteria: ACMG Guidelines, 2015. Collection method: clinical testing. Allele origin: germline. Affected: no.

Ambry Genetics
Classification: Likely benign for Inborn genetic diseases. Last evaluated: 2019-06-21. Review status: criteria provided, single submitter. Criteria: Ambry Variant Classification Scheme 2023. Collection method: clinical testing. Allele origin: germline.

Genetic Services Laboratory, University of Chicago
Classification: Likely benign. Last evaluated: 2018-06-04. Review status: criteria provided, single submitter. Criteria: ACMG Guidelines, 2015. Collection method: clinical testing. Allele origin: germline. Affected: no.